The following is an entry in ClinVar:

ClinVar aggregate classification (germline): Uncertain significance (1 of 4 stars; one submission).

Conditions:
Bloom syndrome (BLM). Also called: Bloom-Torre-Machacek syndrome. Identifiers: Orphanet 125, MedGen C0005859, MONDO:0008876, OMIM 210900.

Allele frequency attached by ClinVar (database versions not stated): gnomAD exomes below 0.00001.
gnomAD v4.1: 1 of 1,530,850 alleles (0.000065%); highest among the groups gnomAD compares: Non-Finnish European, 0.000087%; no homozygotes.

Submission:

Labcorp Genetics (formerly Invitae), Labcorp
Classification: Uncertain significance for Bloom syndrome. Last evaluated: 2022-01-03. Review status: criteria provided, single submitter. Criteria: Invitae Variant Classification Sherloc (09022015). Collection method: clinical testing. Allele origin: germline.
Comment: This variant is not present in population databases (gnomAD no frequency). This sequence change replaces lysine, which is basic and polar, with glutamic acid, which is acidic and polar, at codon 604 of the BLM protein (p.Lys604Glu). In summary, the available evidence is currently insufficient to determine the role of this variant in disease. Therefore, it has been classified as a Variant of Uncertain Significance. Algorithms developed to predict the effect of missense changes on protein structure and function output the following: SIFT: "Tolerated"; PolyPhen-2: "Benign"; Align-GVGD: "Class C0". The glutamic acid amino acid residue is found in multiple mammalian species, which suggests that this missense change does not adversely affect protein function. This variant has not been reported in the literature in individuals affected with BLM-related conditions.

NM_000057.4(BLM):c.1810A>G (p.Lys604Glu)

Gene: BLM (BLM RecQ like helicase; plus strand). Cytogenetic location: 15q26.1.
Variant type: single nucleotide variant.
Coding change: c.1810A>G on transcript NM_000057.4 (MANE Select); coding-DNA position 1810, A replaced by G.
Protein change: p.Lys604Glu; replaces lysine 604 with glutamic acid.
Molecular consequence: missense variant.
Genome position (GRCh38, 1-based): chr15:90,761,183, A>G. VCF-style: chr15-90761183-A-G. GRCh37 (hg19) VCF-style: chr15-91304413-A-G.
Other names: c.1810A>G, p.Lys604Glu (NM_001287246.2, NM_001287247.2); c.685A>G, p.Lys229Glu (NM_001287248.2); short protein forms K604E, K229E.
Identifiers: ClinVar variation 2071252 (VCV002071252.4), dbSNP rs2505429309, ClinGen allele CA393843888.